The following is an entry in ClinVar:

ClinVar aggregate classification (germline): Likely benign (1 of 4 stars; one submission).

gnomAD v4.1: 1 of 1,613,154 alleles (0.000062%); highest among the groups gnomAD compares: Non-Finnish European, 0.000085%; no homozygotes.

Submission:

Molecular Diagnostic Laboratory for Inherited Cardiovascular Disease, Montreal Heart Institute
Classification: Likely benign. Last evaluated: 2026-03-27. Review status: criteria provided, single submitter. Criteria: ACMG Guidelines, 2015. Collection method: clinical testing. Allele origin: germline. Affected: no.
Comment: BP1

NM_001267550.2(TTN):c.66286G>A (p.Glu22096Lys)

Genes: TTN-AS1 (TTN antisense RNA 1; plus strand), TTN (titin; minus strand). Cytogenetic location: 2q31.2.
Variant type: single nucleotide variant.
Coding change: c.66286G>A on transcript NM_001267550.2 (MANE Select); coding-DNA position 66286, G replaced by A.
Protein change: p.Glu22096Lys; replaces glutamic acid 22096 with lysine.
Molecular consequence: missense variant.
Genome position (GRCh38, 1-based): chr2:178,582,083, C>T on the plus strand (G>A on the coding strand, the complement: TTN is on the minus strand). VCF-style: chr2-178582083-C-T. GRCh37 (hg19) VCF-style: chr2-179446810-C-T.
Other names: c.61363G>A, p.Glu20455Lys (NM_001256850.1); c.39091G>A, p.Glu13031Lys (NM_003319.4); c.58582G>A, p.Glu19528Lys (NM_133378.4); c.39466G>A, p.Glu13156Lys (NM_133432.3); c.39667G>A, p.Glu13223Lys (NM_133437.4); short protein forms E13031K, E13156K, E13223K, E19528K, E20455K, E22096K.
Identifiers: ClinVar variation 4820353 (VCV004820353.1).